The following is an entry in ClinVar:

NM_000419.5(ITGA2B):c.2321G>A (p.Arg774Gln)

Gene: ITGA2B (integrin subunit alpha 2b; minus strand). Cytogenetic location: 17q21.31.
Variant type: single nucleotide variant.
Coding change: c.2321G>A on transcript NM_000419.5 (MANE Select); coding-DNA position 2321, G replaced by A.
Protein change: p.Arg774Gln; replaces arginine 774 with glutamine.
Molecular consequence: missense variant.
Genome position (GRCh38, 1-based): chr17:44,376,335, C>T on the plus strand (G>A on the coding strand, the complement: ITGA2B is on the minus strand). VCF-style: chr17-44376335-C-T. GRCh37 (hg19) VCF-style: chr17-42453703-C-T.
Other names: NM_000419.5(ITGA2B):c.2321G>A; p.Arg774Gln; c.2321G>A (NM_000419.4); short protein forms R774Q.
Identifiers: ClinVar variation 2074473 (VCV002074473.7), dbSNP rs146892478, ClinGen allele CA8602734.

ClinVar aggregate classification (germline): Uncertain significance. Review status: reviewed by expert panel (3 of 4 stars). 5 submissions from 5 submitters: Uncertain significance (1). 4 of the submissions do not count toward it. Last evaluated 2025-11-06.

Conditions:
Glanzmann thrombasthenia. Also called: Thrombasthenia; THROMBASTHENIA OF GLANZMANN AND NAEGELI; PLATELET GLYCOPROTEIN IIb-IIIa DEFICIENCY; Glanzmann's thrombasthenia. Identifiers: Orphanet 849, MedGen C0040015, MONDO:0100326.
ITGA2B-related disorder. Also called: ITGA2B-related condition; ITGA2B-related disorders.
Inborn genetic diseases. Identifiers: MedGen C0950123, MeSH D030342.

Allele frequency attached by ClinVar (database versions not stated): ESP Exome Variant Server 0.00008; gnomAD 0.00009; TOPMed 0.00009.
gnomAD v4.1: 281 of 1,614,004 alleles (0.017%); highest among the groups gnomAD compares: Non-Finnish European, 0.023%; no homozygotes.

Submissions (5):

ClinGen Platelet Disorders Variant Curation Expert Panel, ClinGen
Classification: Uncertain significance for Glanzmann thrombasthenia. Last evaluated: 2025-11-06. Review status: reviewed by expert panel. Criteria: ClinGen Platelet ACMG Specifications v2-1. Collection method: curation. Allele origin: germline. Inheritance: Autosomal recessive inheritance.
Comment: NM_000419.5(ITGA2B):c.2321G>A (p.Arg774Gln) is a missense variant for which the computational predictor REVEL gives a score of 0.041, below the ClinGen PD VCEP threshold of <0.25 and predicts no damaging effect on ITGA2B function (BP4), and no splicing effect is predicted by SpliceAI. The highest population minor allele frequency in gnomAD v4.1 is 0.0002271 (268/1180028 alleles) in the European (non-Finnish) genetic ancestry group, which is above than the ClinGen PD VCEP threshold of <0.0001 for PM2_Supporting but below the >0.00158 threshold for BS1. After a thorough literature search, this variant has not been reported in a Glanzmann thrombasthenia patient to our knowledge. ClinVar contains an entry for this variant (Variation ID: 2328709) with multiple VUS submissions (SCV004889457.1, SCV005422410.1, SCV003287488.3), none reporting an affected individual. In summary, this variant meets the criteria to be classified as Uncertain significance - insufficient evidence for autosomal recessive inheritance of Glanzmann thrombasthenia based on the ACMG/AMP criteria applied, as specified by the ClinGen PD VCEP: BP4 (VCEP specifications version 2.1).

Labcorp Genetics (formerly Invitae), Labcorp
Classification: Uncertain significance for Glanzmann thrombasthenia. Last evaluated: 2025-08-11. Review status: criteria provided, single submitter. Criteria: Invitae Variant Classification Sherloc (09022015). Collection method: clinical testing. Allele origin: germline. Not counted in ClinVar's aggregate classification.
Comment: This sequence change replaces arginine, which is basic and polar, with glutamine, which is neutral and polar, at codon 774 of the ITGA2B protein (p.Arg774Gln). This variant is present in population databases (rs146892478, gnomAD 0.02%). This variant has not been reported in the literature in individuals affected with ITGA2B-related conditions. ClinVar contains an entry for this variant (Variation ID: 2074473). An algorithm developed to predict the effect of missense changes on protein structure and function outputs the following: PolyPhen-2: "Benign". The glutamine amino acid residue is found in multiple mammalian species, which suggests that this missense change does not adversely affect protein function. In summary, the available evidence is currently insufficient to determine the role of this variant in disease. Therefore, it has been classified as a Variant of Uncertain Significance.

Women's Health and Genetics/Laboratory Corporation of America, LabCorp
Classification: Uncertain significance. Last evaluated: 2024-10-11. Review status: criteria provided, single submitter. Criteria: LabCorp Variant Classification Summary - May 2015. Collection method: clinical testing. Allele origin: germline. Not counted in ClinVar's aggregate classification.
Comment: Variant summary: ITGA2B c.2321G>A (p.Arg774Gln) results in a conservative amino acid change in the encoded protein sequence. Five of five in-silico tools predict a benign effect of the variant on protein function. The variant allele was found at a frequency of 9.5e-05 in 251458 control chromosomes. This frequency is not significantly higher than estimated for a pathogenic variant in ITGA2B causing ITGA2B-Related Disorders, allowing no conclusion about variant significance. To our knowledge, no occurrence of c.2321G>A in individuals affected with ITGA2B-Related Disorders and no experimental evidence demonstrating its impact on protein function have been reported. ClinVar contains an entry for this variant (Variation ID: 2074473). Based on the evidence outlined above, the variant was classified as uncertain significance.

Ambry Genetics
Classification: Uncertain significance for Inborn genetic diseases. Last evaluated: 2023-09-21. Review status: criteria provided, single submitter. Criteria: Ambry Variant Classification Scheme 2023. Collection method: clinical testing. Allele origin: germline. Not counted in ClinVar's aggregate classification.

PreventionGenetics, part of Exact Sciences
Classification: Uncertain significance for ITGA2B-related condition. Last evaluated: 2024-04-01. Review status: no assertion criteria provided. Collection method: clinical testing. Allele origin: germline. Not counted in ClinVar's aggregate classification.
Comment: The ITGA2B c.2321G>A variant is predicted to result in the amino acid substitution p.Arg774Gln. To our knowledge, this variant has not been reported in the literature. This variant is reported in 0.017% of alleles in individuals of European (Non-Finnish) descent in gnomAD. At this time, the clinical significance of this variant is uncertain due to the absence of conclusive functional and genetic evidence.